The following is an entry in ClinVar:

ClinVar aggregate classification (germline): Likely benign. Review status: criteria provided, multiple submitters, no conflicts (2 of 4 stars). 4 submissions from 4 submitters: Likely benign (3). 1 of the submissions does not count toward it. Last evaluated 2026-01-19.

Conditions:
KMT2A-related disorder. Also called: KMT2A-related condition.

Allele frequency attached by ClinVar (database versions not stated): gnomAD 0.00011; ExAC 0.00014; ESP Exome Variant Server 0.00023.
gnomAD v4.1: 326 of 1,607,208 alleles (0.02%); highest among the groups gnomAD compares: Middle Eastern, 0.13%; no homozygotes.

Submissions (4):

Labcorp Genetics (formerly Invitae), Labcorp
Classification: Likely benign. Last evaluated: 2026-01-19. Review status: criteria provided, single submitter. Criteria: Invitae Variant Classification Sherloc (09022015). Collection method: clinical testing. Allele origin: germline.

CeGaT Center for Human Genetics Tuebingen
Classification: Likely benign. Last evaluated: 2024-11-01. Review status: criteria provided, single submitter. Criteria: CeGaT Center For Human Genetics Tuebingen Variant Classification Criteria Version 2. Collection method: clinical testing. Allele origin: germline. Affected: yes. Observed: 4 variant alleles.
Comment: KMT2A: BP4, BP7

Blueprint Genetics
Classification: Likely benign. Last evaluated: 2024-08-26. Review status: criteria provided, single submitter. Criteria: ACMG Guidelines, 2015. Collection method: clinical testing. Allele origin: germline.

PreventionGenetics, part of Exact Sciences
Classification: Likely benign for KMT2A-related condition. Last evaluated: 2023-08-21. Review status: no assertion criteria provided. Collection method: clinical testing. Allele origin: germline. Not counted in ClinVar's aggregate classification.
Comment: This variant is classified as likely benign based on ACMG/AMP sequence variant interpretation guidelines (Richards et al. 2015 PMID: 25741868, with internal and published modifications).

NM_001197104.2(KMT2A):c.6081G>T (p.Gly2027=)

Gene: KMT2A (lysine methyltransferase 2A; plus strand). Cytogenetic location: 11q23.3.
Variant type: single nucleotide variant.
Coding change: c.6081G>T on transcript NM_001197104.2 (MANE Select); coding-DNA position 6081, G replaced by T.
Protein change: p.Gly2027=; no amino-acid change (glycine 2027 retained).
Molecular consequence: synonymous variant.
Genome position (GRCh38, 1-based): chr11:118,499,836, G>T. VCF-style: chr11-118499836-G-T. GRCh37 (hg19) VCF-style: chr11-118370551-G-T.
Other names: c.6081G>T (NM_001197104.1); c.6072G>T, p.Gly2024= (NM_005933.4).
Identifiers: ClinVar variation 1572499 (VCV001572499.34), dbSNP rs142830885, ClinGen allele CA6304176.